The following is an entry in ClinVar:

NM_017419.3(ASIC5):c.1009+5del

Gene: ASIC5 (acid sensing ion channel subunit family member 5; minus strand). Cytogenetic location: 4q32.1.
Variant type: Deletion.
Coding change: c.1009+5del on transcript NM_017419.3 (MANE Select); 5 bases into the intron after coding-DNA position 1009, one base deleted (A; older notation c.1009+5delA).
Molecular consequence: intron variant.
Genome position (GRCh38, 1-based): chr4:155,842,202, T deleted on the plus strand (A on the coding strand, the reverse complement: ASIC5 is on the minus strand); the first of 3 consecutive T bases (chr4:155,842,202-155,842,204); deleting any one gives the same sequence. VCF-style (leftmost placement, unchanged base first): chr4-155842201-AT-A. GRCh37 (hg19) VCF-style: chr4-156763353-AT-A.
Identifiers: ClinVar variation 4980697 (VCV004980697.1).

ClinVar aggregate classification (germline): Likely benign (1 of 4 stars; one submission).

Conditions:
ASIC5-related disorder. Also called: ASIC5-related condition.

Submission:

PreventionGenetics, part of Exact Sciences
Classification: Likely benign for ASIC5-related condition. Last evaluated: 2026-07-22. Review status: criteria provided, single submitter. Criteria: ACMG Guidelines, 2015. Collection method: clinical testing. Allele origin: germline.
Comment: This variant is classified as likely benign based on ACMG/AMP sequence variant interpretation guidelines (Richards et al. 2015 PMID: 25741868, with internal and published modifications).